The following is an entry in ClinVar:

NM_022166.4(XYLT1):c.1229A>T (p.Glu410Val)

Gene: XYLT1 (xylosyltransferase 1; minus strand). Cytogenetic location: 16p12.3.
Variant type: single nucleotide variant.
Coding change: c.1229A>T on transcript NM_022166.4 (MANE Select); coding-DNA position 1229, A replaced by T.
Protein change: p.Glu410Val; replaces glutamic acid 410 with valine.
Molecular consequence: missense variant.
Genome position (GRCh38, 1-based): chr16:17,198,272, T>A on the plus strand (A>T on the coding strand, the complement: XYLT1 is on the minus strand). VCF-style: chr16-17198272-T-A. GRCh37 (hg19) VCF-style: chr16-17292129-T-A.
Other names: c.1229A>T (NM_022166.3); short protein forms E410V.
Identifiers: ClinVar variation 1502600 (VCV001502600.7), dbSNP rs759418934, ClinGen allele CA7927987.

ClinVar aggregate classification (germline): Uncertain significance. Review status: criteria provided, multiple submitters, no conflicts (2 of 4 stars). 2 submissions from 2 submitters: Uncertain significance (2). Last evaluated 2024-07-16.

Conditions:
Inborn genetic diseases. Identifiers: MedGen C0950123, MeSH D030342.
Desbuquois dysplasia 1 (DBQD1). Also called: MICROMELIC DWARFISM WITH VERTEBRAL AND METAPHYSEAL ABNORMALITIES AND ADVANCED CARPOTARSAL OSSIFICATION; DESBUQUOIS DYSPLASIA 1, KIM VARIANT. Identifiers: Orphanet 1425, MedGen C4012146, MONDO:0009629, OMIM 251450.

Allele frequency attached by ClinVar (database versions not stated): gnomAD exomes below 0.00001 and 0.00002; gnomAD 0.00001; TOPMed 0.00001; ExAC 0.00002.
gnomAD v4.1: 18 of 1,614,060 alleles (0.0011%); highest among the groups gnomAD compares: East Asian, 0.0067%; no homozygotes.

Submissions (2):

Ambry Genetics
Classification: Uncertain significance for Inborn genetic diseases. Last evaluated: 2024-07-16. Review status: criteria provided, single submitter. Criteria: Ambry Variant Classification Scheme 2023. Collection method: clinical testing. Allele origin: germline.

Labcorp Genetics (formerly Invitae), Labcorp
Classification: Uncertain significance for Desbuquois dysplasia 1. Last evaluated: 2021-09-24. Review status: criteria provided, single submitter. Criteria: Invitae Variant Classification Sherloc (09022015). Collection method: clinical testing. Allele origin: germline.
Comment: This sequence change replaces glutamic acid with valine at codon 410 of the XYLT1 protein (p.Glu410Val). The glutamic acid residue is moderately conserved and there is a moderate physicochemical difference between glutamic acid and valine. This variant is present in population databases (rs759418934, ExAC 0.03%). This variant has not been reported in the literature in individuals with XYLT1-related conditions. Algorithms developed to predict the effect of missense changes on protein structure and function are either unavailable or do not agree on the potential impact of this missense change (SIFT: "Deleterious"; PolyPhen-2: "Benign"; Align-GVGD: "Class C15"). Algorithms developed to predict the effect of sequence changes on RNA splicing suggest that this variant may create or strengthen a splice site, but this prediction has not been confirmed by published transcriptional studies. In summary, the available evidence is currently insufficient to determine the role of this variant in disease. Therefore, it has been classified as a Variant of Uncertain Significance.